The following is an entry in ClinVar:

NM_001297.5(CNGB1):c.1644-3C>G

Gene: CNGB1 (cyclic nucleotide gated channel subunit beta 1; minus strand). Cytogenetic location: 16q21.
Variant type: single nucleotide variant.
Coding change: c.1644-3C>G on transcript NM_001297.5 (MANE Select); 3 bases into the intron before coding-DNA position 1644, C replaced by G.
Molecular consequence: intron variant.
Genome position (GRCh38, 1-based): chr16:57,920,547, G>C on the plus strand (C>G on the coding strand, the complement: CNGB1 is on the minus strand). VCF-style: chr16-57920547-G-C. GRCh37 (hg19) VCF-style: chr16-57954451-G-C.
Other names: c.1626-3C>G (NM_001286130.2).
Identifiers: ClinVar variation 2098957 (VCV002098957.4), dbSNP rs1262911926, ClinGen allele CA623113587.

ClinVar aggregate classification (germline): Uncertain significance (1 of 4 stars; one submission).

Allele frequency attached by ClinVar (database versions not stated): TOPMed 0.00001.
gnomAD v4.1: 2 of 1,611,966 alleles (0.00012%); highest among the groups gnomAD compares: Admixed American, 0.0017%; no homozygotes.

Submission:

Labcorp Genetics (formerly Invitae), Labcorp
Classification: Uncertain significance. Last evaluated: 2022-09-01. Review status: criteria provided, single submitter. Criteria: Invitae Variant Classification Sherloc (09022015). Collection method: clinical testing. Allele origin: germline.
Comment: In summary, the available evidence is currently insufficient to determine the role of this variant in disease. Therefore, it has been classified as a Variant of Uncertain Significance. Variants that disrupt the consensus splice site are a relatively common cause of aberrant splicing (PMID: 17576681, 9536098). Algorithms developed to predict the effect of sequence changes on RNA splicing suggest that this variant may disrupt the consensus splice site. This variant has been observed in individual(s) with CNGB1-related conditions (PMID: 33847019). This variant is present in population databases (no rsID available, gnomAD 0.003%). This sequence change falls in intron 18 of the CNGB1 gene. It does not directly change the encoded amino acid sequence of the CNGB1 protein. It affects a nucleotide within the consensus splice site.

Literature cited by the submitters: PubMed 17576681; PubMed 9536098; PubMed 33847019.